The following is an entry in ClinVar:

ClinVar aggregate classification (germline): Uncertain significance. Review status: criteria provided, multiple submitters, no conflicts (2 of 4 stars). 2 submissions from 2 submitters: Uncertain significance (2). Last evaluated 2024-04-08.

Conditions:
Hereditary cancer-predisposing syndrome. Also called: Hereditary neoplastic syndrome; Tumor predisposition; Hereditary Cancer Syndrome; Neoplastic Syndromes, Hereditary. Identifiers: Orphanet 140162, MedGen C0027672, MeSH D009386, MONDO:0015356.
Tuberous sclerosis 2 (TSC2). Identifiers: Orphanet 805, MedGen C1860707, MONDO:0013199, OMIM 613254.

Submissions (2):

Ambry Genetics
Classification: Uncertain significance for Hereditary cancer-predisposing syndrome. Last evaluated: 2024-04-08. Review status: criteria provided, single submitter. Criteria: Ambry Variant Classification Scheme 2023. Collection method: clinical testing. Allele origin: germline.
Comment: The p.T1260R variant (also known as c.3779C>G), located in coding exon 30 of the TSC2 gene, results from a C to G substitution at nucleotide position 3779. The threonine at codon 1260 is replaced by arginine, an amino acid with similar properties. This amino acid position is not well conserved in available vertebrate species. In addition, the in silico prediction for this alteration is inconclusive. Based on the available evidence, the clinical significance of this variant remains unclear.

Labcorp Genetics (formerly Invitae), Labcorp
Classification: Uncertain significance for Tuberous sclerosis 2. Last evaluated: 2021-09-10. Review status: criteria provided, single submitter. Criteria: Invitae Variant Classification Sherloc (09022015). Collection method: clinical testing. Allele origin: germline.
Comment: In summary, the available evidence is currently insufficient to determine the role of this variant in disease. Therefore, it has been classified as a Variant of Uncertain Significance. Advanced modeling of protein sequence and biophysical properties (such as structural, functional, and spatial information, amino acid conservation, physicochemical variation, residue mobility, and thermodynamic stability) performed at Invitae indicates that this missense variant is not expected to disrupt TSC2 protein function. This variant has not been reported in the literature in individuals affected with TSC2-related conditions. This variant is not present in population databases (ExAC no frequency). This sequence change replaces threonine with arginine at codon 1260 of the TSC2 protein (p.Thr1260Arg). The threonine residue is moderately conserved and there is a moderate physicochemical difference between threonine and arginine.

NM_000548.5(TSC2):c.3779C>G (p.Thr1260Arg)

Gene: TSC2 (TSC complex subunit 2; plus strand). Cytogenetic location: 16p13.3.
Variant type: single nucleotide variant.
Coding change: c.3779C>G on transcript NM_000548.5 (MANE Select); coding-DNA position 3779, C replaced by G.
Protein change: p.Thr1260Arg; replaces threonine 1260 with arginine.
Molecular consequence: missense variant.
Genome position (GRCh38, 1-based): chr16:2,081,763, C>G. VCF-style: chr16-2081763-C-G. GRCh37 (hg19) VCF-style: chr16-2131764-C-G.
Other names: c.3779C>G (NM_000548.3); c.3647C>G, p.Thr1216Arg (NM_001077183.3, NM_001370404.1); c.3779C>G, p.Thr1260Arg (NM_001114382.3); c.3539C>G, p.Thr1180Arg (NM_001318827.2); c.3503C>G, p.Thr1168Arg (NM_001318829.2); c.3047C>G, p.Thr1016Arg (NM_001318831.2); c.3680C>G, p.Thr1227Arg (NM_001318832.2); c.3650C>G, p.Thr1217Arg (NM_001363528.2, NM_001370405.1, NM_021055.3); short protein forms T1168R, T1216R, T1227R, T1260R, T1016R, T1180R, T1217R.
Identifiers: ClinVar variation 1426525 (VCV001426525.7), dbSNP rs776738338, ClinGen allele CA394293396.